The following is an entry in ClinVar:

ClinVar aggregate classification (germline): Uncertain significance. Review status: criteria provided, multiple submitters, no conflicts (2 of 4 stars). 2 submissions from 2 submitters: Uncertain significance (2). Last evaluated 2025-09-10.

Conditions:
Inborn genetic diseases. Identifiers: MedGen C0950123, MeSH D030342.
Baller-Gerold syndrome (BGS). Also called: CRANIOSYNOSTOSIS WITH RADIAL DEFECTS. Identifiers: Orphanet 1225, MedGen C0265308, MONDO:0009039, OMIM 218600.

Submissions (2):

Ambry Genetics
Classification: Uncertain significance for Inborn genetic diseases. Last evaluated: 2025-09-10. Review status: criteria provided, single submitter. Criteria: Ambry Variant Classification Scheme 2023. Collection method: clinical testing. Allele origin: germline.
Comment: The p.P662S variant (also known as c.1984C>T), located in coding exon 12 of the RECQL4 gene, results from a C to T substitution at nucleotide position 1984. The proline at codon 662 is replaced by serine, an amino acid with similar properties. This amino acid position is conserved. In addition, this alteration is predicted to be tolerated by in silico analysis. Based on the available evidence, the clinical significance of this variant remains unclear.

Labcorp Genetics (formerly Invitae), Labcorp
Classification: Uncertain significance for Baller-Gerold syndrome. Last evaluated: 2020-03-23. Review status: criteria provided, single submitter. Criteria: Invitae Variant Classification Sherloc (09022015). Collection method: clinical testing. Allele origin: germline.
Comment: Experimental studies and prediction algorithms are not available or were not evaluated, and the functional significance of this variant is currently unknown. The serine amino acid residue is found in multiple mammalian species, suggesting that this missense change does not adversely affect protein function. These predictions have not been confirmed by published functional studies and their clinical significance is uncertain. This variant has not been reported in the literature in individuals with RECQL4-related conditions. This variant is not present in population databases (ExAC no frequency). This sequence change replaces proline with serine at codon 662 of the RECQL4 protein (p.Pro662Ser). The proline residue is weakly conserved and there is a moderate physicochemical difference between proline and serine. In summary, the available evidence is currently insufficient to determine the role of this variant in disease. Therefore, it has been classified as a Variant of Uncertain Significance.

NM_004260.4(RECQL4):c.1984C>T (p.Pro662Ser)

Gene: RECQL4 (RecQ like helicase 4; minus strand). Cytogenetic location: 8q24.3.
Variant type: single nucleotide variant.
Coding change: c.1984C>T on transcript NM_004260.4 (MANE Select); coding-DNA position 1984, C replaced by T.
Protein change: p.Pro662Ser; replaces proline 662 with serine.
Molecular consequence: missense variant.
Genome position (GRCh38, 1-based): chr8:144,514,002, G>A on the plus strand (C>T on the coding strand, the complement: RECQL4 is on the minus strand). VCF-style: chr8-144514002-G-A. GRCh37 (hg19) VCF-style: chr8-145739386-G-A.
Other names: c.1984C>T (NM_004260.3); short protein forms P662S.
Identifiers: ClinVar variation 1036274 (VCV001036274.4), dbSNP rs1827777139, ClinGen allele CA372680365.